The following is an entry in ClinVar:

ClinVar aggregate classification (germline): Benign. Review status: criteria provided, multiple submitters, no conflicts (2 of 4 stars). 3 submissions from 3 submitters: Benign (2). 1 of the submissions does not count toward it. Last evaluated 2026-01-29.

Conditions:
SHPK-related disorder. Also called: SHPK-related condition.

Allele frequency attached by ClinVar (database versions not stated): gnomAD 0.00317 and 0.00306; ExAC 0.00345; TOPMed 0.00446; gnomAD exomes 0.00487 and 0.00109; ESP Exome Variant Server 0.00023; 1000 Genomes Project 0.00200; 1000 Genomes Project 30x 0.00219.
gnomAD v4.1: 2,027 of 1,613,770 alleles (0.13%); highest among the groups gnomAD compares: Admixed American, 3.2%; 53 homozygotes.

Submissions (3):

Labcorp Genetics (formerly Invitae), Labcorp
Classification: Benign. Last evaluated: 2026-01-29. Review status: criteria provided, single submitter. Criteria: Invitae Variant Classification Sherloc (09022015). Collection method: clinical testing. Allele origin: germline.

Breakthrough Genomics
Classification: Benign. Review status: criteria provided, single submitter. Criteria: ACMG Guidelines, 2015. Collection method: not provided. Allele origin: germline. Inheritance: Autosomal recessive inheritance. Affected: yes.

PreventionGenetics, part of Exact Sciences
Classification: Benign for SHPK-related condition. Last evaluated: 2019-05-08. Review status: no assertion criteria provided. Collection method: clinical testing. Allele origin: germline. Not counted in ClinVar's aggregate classification.
Comment: This variant is classified as benign based on ACMG/AMP sequence variant interpretation guidelines (Richards et al. 2015 PMID: 25741868, with internal and published modifications).

NM_013276.4(SHPK):c.794A>G (p.Tyr265Cys)

Gene: SHPK (sedoheptulokinase; minus strand). Cytogenetic location: 17p13.2.
Variant type: single nucleotide variant.
Coding change: c.794A>G on transcript NM_013276.4 (MANE Select); coding-DNA position 794, A replaced by G.
Protein change: p.Tyr265Cys; replaces tyrosine 265 with cysteine.
Molecular consequence: missense variant.
Genome position (GRCh38, 1-based): chr17:3,621,266, T>C on the plus strand (A>G on the coding strand, the complement: SHPK is on the minus strand). VCF-style: chr17-3621266-T-C. GRCh37 (hg19) VCF-style: chr17-3524560-T-C.
Other names: short protein forms Y265C.
Identifiers: ClinVar variation 715311 (VCV000715311.13), dbSNP rs149000513, ClinGen allele CA8291216.
Genomic context (GRCh38, chr17:3,621,266, plus strand): 5'-AGTCTGAGGACAGAACAAAAGAAAAACTTACCTGCATCTGTCCTCTGGGCCATGCAGGAA[T>C]AGACAGAGGCCTGTAAATCACCCAAGGCCACTCCCACCTGCGTCCCCTTTGGGATTTCAA-3'
Protein context (NP_037408.2, residues 255-275): VALGDLQASV[Tyr265Cys]SCMAQRTDAV